The following is an entry in ClinVar:

ClinVar aggregate classification (germline): Uncertain significance (1 of 4 stars; one submission).

Allele frequency attached by ClinVar (database versions not stated): gnomAD exomes below 0.00001.
gnomAD v4.1: 3 of 1,613,674 alleles (0.00019%); highest among the groups gnomAD compares: South Asian, 0.0022%; no homozygotes.

Submission:

GeneDx
Classification: Uncertain significance. Last evaluated: 2018-01-17. Review status: criteria provided, single submitter. Criteria: GeneDx Variant Classification (06012015). Collection method: clinical testing. Allele origin: germline. Affected: yes.
Comment: The C154R variant in the ALDH7A1 gene has not been published as a pathogenic variant, nor has it been reported as a benign variant to our knowledge. The C154R variant was not observed in approximately 6500 individuals of European and African American ancestry in the NHLBI Exome Sequencing Project, indicating it is not a common benign variant in these populations. The C154R variant is a non-conservative amino acid substitution, which occurs at a position that is conserved across species, and in silico analysis predicts this variant is probably damaging to the protein structure/function. We interpret C154R as a variant of uncertain significance.

NM_001182.5(ALDH7A1):c.460T>C (p.Cys154Arg)

Gene: ALDH7A1 (aldehyde dehydrogenase 7 family member A1; minus strand). Cytogenetic location: 5q23.2.
Variant type: single nucleotide variant.
Coding change: c.460T>C on transcript NM_001182.5 (MANE Select); coding-DNA position 460, T replaced by C.
Protein change: p.Cys154Arg; replaces cysteine 154 with arginine.
Molecular consequence: missense variant.
Genome position (GRCh38, 1-based): chr5:126,582,908, A>G on the plus strand (T>C on the coding strand, the complement: ALDH7A1 is on the minus strand). VCF-style: chr5-126582908-A-G. GRCh37 (hg19) VCF-style: chr5-125918600-A-G.
Other names: c.376T>C, p.Cys126Arg (NM_001201377.2); c.460T>C, p.Cys154Arg (NM_001202404.2); short protein forms C154R, C126R.
Identifiers: ClinVar variation 380696 (VCV000380696.2), dbSNP rs1057520885, ClinGen allele CA16605221.